The following is an entry in ClinVar:

NM_000147.5(FUCA1):c.244C>T (p.Gln82Ter)

Gene: FUCA1 (alpha-L-fucosidase 1; minus strand). Cytogenetic location: 1p36.11.
Variant type: single nucleotide variant.
Coding change: c.244C>T on transcript NM_000147.5 (MANE Select); coding-DNA position 244, C replaced by T.
Protein change: p.Gln82Ter; replaces glutamine 82 with a stop codon.
Molecular consequence: nonsense.
Genome position (GRCh38, 1-based): chr1:23,868,043, G>A on the plus strand (C>T on the coding strand, the complement: FUCA1 is on the minus strand). VCF-style: chr1-23868043-G-A. GRCh37 (hg19) VCF-style: chr1-24194533-G-A.
Other names: FUCA1, GLN77TER; short protein forms Q82*.
Identifiers: ClinVar variation 685 (VCV000000685.6), dbSNP rs80358196, ClinGen allele CA114438.

ClinVar aggregate classification (germline): Pathogenic. Review status: criteria provided, multiple submitters, no conflicts (2 of 4 stars). 3 submissions from 3 submitters: Pathogenic (2). 1 of the submissions does not count toward it. Last evaluated 2024-05-22.

Conditions:
Fucosidosis. Also called: ALPHA-L-FUCOSIDASE DEFICIENCY. Identifiers: Orphanet 349, MedGen C0016788, MONDO:0009254, OMIM 230000.

Allele frequency attached by ClinVar (database versions not stated): ExAC 0.00001; gnomAD 0.00001; gnomAD exomes 0.00001; TOPMed 0.00001.
gnomAD v4.1: 6 of 1,610,920 alleles (0.00037%); highest among the groups gnomAD compares: South Asian, 0.0011%; no homozygotes.

Submissions (3):

Labcorp Genetics (formerly Invitae), Labcorp
Classification: Pathogenic for Fucosidosis. Last evaluated: 2024-05-22. Review status: criteria provided, single submitter. Criteria: Invitae Variant Classification Sherloc (09022015). Collection method: clinical testing. Allele origin: germline.
Comment: This sequence change creates a premature translational stop signal (p.Gln82*) in the FUCA1 gene. It is expected to result in an absent or disrupted protein product. Loss-of-function variants in FUCA1 are known to be pathogenic (PMID: 10094192). The frequency data for this variant in the population databases is considered unreliable, as metrics indicate poor data quality at this position in the gnomAD database. This premature translational stop signal has been observed in individual(s) with fucosidosis (PMID: 8401503). This variant is also known as Q77X. ClinVar contains an entry for this variant (Variation ID: 685). For these reasons, this variant has been classified as Pathogenic.

Women's Health and Genetics/Laboratory Corporation of America, LabCorp
Classification: Pathogenic for Fucosidosis. Last evaluated: 2020-01-24. Review status: criteria provided, single submitter. Criteria: LabCorp Variant Classification Summary - May 2015. Collection method: clinical testing. Allele origin: germline.
Comment: Variant summary: FUCA1 c.244C>T (p.Gln82X) results in a premature termination codon, predicted to cause a truncation of the encoded protein or absence of the protein due to nonsense mediated decay, which are commonly known mechanisms for disease. The variant allele was found at a frequency of 8.4e-06 in 238924 control chromosomes (gnomAD). c.244C>T has been reported in the literature in multiple individuals (both compound heterozygous and homozygous states) affected with Fucosidosis (Seo_1993, Zampetti_2012, Ediz_2015). These data indicate that the variant is very likely to be associated with disease. At least one publication reports experimental evidence evaluating an impact on protein function. Patients carrying the variant of interest and another truncating variant had reduced enzymatic activity (Seo_1993). No clinical diagnostic laboratories have submitted clinical-significance assessments for this variant to ClinVar after 2014. Based on the evidence outlined above, the variant was classified as pathogenic.

OMIM
Classification: Pathogenic for FUCOSIDOSIS. Last evaluated: 1993-08-01. Review status: no assertion criteria provided. Collection method: literature only. Allele origin: germline. Not counted in ClinVar's aggregate classification.

Literature cited by the submitters: PubMed 10094192 (cited by Labcorp Genetics (formerly Invitae), Labcorp and Women's Health and Genetics/Laboratory Corporation of America, LabCorp); PubMed 8401503 (cited by 3 submitters); PubMed 26515723 (cited by Women's Health and Genetics/Laboratory Corporation of America, LabCorp); PubMed 8739734 (cited by Women's Health and Genetics/Laboratory Corporation of America, LabCorp); PubMed 23210910 (cited by Women's Health and Genetics/Laboratory Corporation of America, LabCorp).